The following is an entry in ClinVar:

ClinVar aggregate classification (germline): Uncertain significance (1 of 4 stars; one submission).

Conditions:
Immunodeficiency 51 (IMD51). Also called: CANDIDIASIS, FAMILIAL, 5. Identifiers: Orphanet 1334, MedGen C4310803, MONDO:0013500, OMIM 613953.

Allele frequency attached by ClinVar (database versions not stated): TOPMed below 0.00001; gnomAD 0.00001.

Submission:

Labcorp Genetics (formerly Invitae), Labcorp
Classification: Uncertain significance for Immunodeficiency 51. Last evaluated: 2021-12-25. Review status: criteria provided, single submitter. Criteria: Invitae Variant Classification Sherloc (09022015). Collection method: clinical testing. Allele origin: germline.
Comment: In summary, the available evidence is currently insufficient to determine the role of this variant in disease. Therefore, it has been classified as a Variant of Uncertain Significance. Algorithms developed to predict the effect of missense changes on protein structure and function (SIFT, PolyPhen-2, Align-GVGD) all suggest that this variant is likely to be tolerated. ClinVar contains an entry for this variant (Variation ID: 957193). This variant has not been reported in the literature in individuals affected with IL17RA-related conditions. This variant is present in population databases (rs764980726, gnomAD 0.002%). This sequence change replaces arginine, which is basic and polar, with cysteine, which is neutral and slightly polar, at codon 580 of the IL17RA protein (p.Arg580Cys).

NM_014339.7(IL17RA):c.1738C>T (p.Arg580Cys)

Gene: IL17RA (interleukin 17 receptor A; plus strand). Cytogenetic location: 22q11.1.
Variant type: single nucleotide variant.
Coding change: c.1738C>T on transcript NM_014339.7 (MANE Select); coding-DNA position 1738, C replaced by T.
Protein change: p.Arg580Cys; replaces arginine 580 with cysteine.
Molecular consequence: missense variant.
Genome position (GRCh38, 1-based): chr22:17,108,957, C>T. VCF-style: chr22-17108957-C-T. GRCh37 (hg19) VCF-style: chr22-17589847-C-T.
Other names: c.1636C>T, p.Arg546Cys (NM_001289905.2); short protein forms R580C, R546C.
Identifiers: ClinVar variation 957193 (VCV000957193.3), dbSNP rs764980726, ClinGen allele CA10086841.